The following is an entry in ClinVar:

ClinVar aggregate classification (germline): Uncertain significance (1 of 4 stars; one submission).

Conditions:
Hereditary cancer-predisposing syndrome. Also called: Hereditary Cancer Syndrome; Neoplastic Syndromes, Hereditary; Tumor predisposition; Hereditary neoplastic syndrome. Identifiers: Orphanet 140162, MedGen C0027672, MeSH D009386, MONDO:0015356.

Submission:

Ambry Genetics
Classification: Uncertain significance for Hereditary cancer-predisposing syndrome. Last evaluated: 2021-04-27. Review status: criteria provided, single submitter. Criteria: Ambry Variant Classification Scheme 2023. Collection method: clinical testing. Allele origin: germline.
Comment: The p.W163C variant (also known as c.489G>C), located in coding exon 4 of the SUFU gene, results from a G to C substitution at nucleotide position 489. The tryptophan at codon 163 is replaced by cysteine, an amino acid with highly dissimilar properties. This amino acid position is highly conserved in available vertebrate species. In addition, this alteration is predicted to be deleterious by in silico analysis. Since supporting evidence is limited at this time, the clinical significance of this alteration remains unclear.

NM_016169.4(SUFU):c.489G>C (p.Trp163Cys)

Gene: SUFU (SUFU negative regulator of hedgehog signaling; plus strand). Cytogenetic location: 10q24.32.
Variant type: single nucleotide variant.
Coding change: c.489G>C on transcript NM_016169.4 (MANE Select); coding-DNA position 489, G replaced by C.
Protein change: p.Trp163Cys; replaces tryptophan 163 with cysteine.
Molecular consequence: missense variant.
Genome position (GRCh38, 1-based): chr10:102,592,616, G>C. VCF-style: chr10-102592616-G-C. GRCh37 (hg19) VCF-style: chr10-104352373-G-C.
Other names: c.489G>C, p.Trp163Cys (NM_001178133.2); short protein forms W163C.
Identifiers: ClinVar variation 1743915 (VCV001743915.2), dbSNP rs2135866667, ClinGen allele CA377908196.